The following is an entry in ClinVar:

ClinVar aggregate classification (germline): Uncertain significance. Review status: criteria provided, multiple submitters, no conflicts (2 of 4 stars). 5 submissions from 4 submitters: Uncertain significance (4). 1 of the submissions does not count toward it. Last evaluated 2023-11-04.

Conditions:
Inborn genetic diseases. Identifiers: MedGen C0950123, MeSH D030342.
Retinitis pigmentosa 39 (RP39). Identifiers: Orphanet 791, MedGen C3151138, MONDO:0013436, OMIM 613809.
Usher syndrome type 2A. Also called: USHER SYNDROME, TYPE IIA; RETINAL DISEASE IN USHER SYNDROME TYPE IIA, MODIFIER OF. Identifiers: Orphanet 231178, Orphanet 886, MedGen C1848634, MONDO:0010169, OMIM 276901.

Allele frequency attached by ClinVar (database versions not stated): gnomAD 0.00001.

Submissions (5):

Genome-Nilou Lab
Classification: Uncertain significance for Retinitis pigmentosa 39. Last evaluated: 2023-11-04. Review status: criteria provided, single submitter. Criteria: ACMG Guidelines, 2015. Collection method: clinical testing. Allele origin: germline. Affected: no.

Genome-Nilou Lab
Classification: Uncertain significance for Usher syndrome type 2A. Last evaluated: 2023-11-04. Review status: criteria provided, single submitter. Criteria: ACMG Guidelines, 2015. Collection method: clinical testing. Allele origin: germline. Affected: no.

Ambry Genetics
Classification: Uncertain significance for Inborn genetic diseases. Last evaluated: 2023-03-01. Review status: criteria provided, single submitter. Criteria: Ambry Variant Classification Scheme 2023. Collection method: clinical testing. Allele origin: germline.

Labcorp Genetics (formerly Invitae), Labcorp
Classification: Uncertain significance. Last evaluated: 2022-07-19. Review status: criteria provided, single submitter. Criteria: Invitae Variant Classification Sherloc (09022015). Collection method: clinical testing. Allele origin: germline.
Comment: This sequence change replaces glycine, which is neutral and non-polar, with serine, which is neutral and polar, at codon 2223 of the USH2A protein (p.Gly2223Ser). This variant is not present in population databases (gnomAD no frequency). This variant has not been reported in the literature in individuals affected with USH2A-related conditions. ClinVar contains an entry for this variant (Variation ID: 1041981). Algorithms developed to predict the effect of missense changes on protein structure and function (SIFT, PolyPhen-2, Align-GVGD) all suggest that this variant is likely to be disruptive. In summary, the available evidence is currently insufficient to determine the role of this variant in disease. Therefore, it has been classified as a Variant of Uncertain Significance.

Natera, Inc.
Classification: Uncertain significance for Usher syndrome type 2A. Last evaluated: 2020-09-03. Review status: no assertion criteria provided. Collection method: clinical testing. Allele origin: germline. Not counted in ClinVar's aggregate classification.

NM_206933.4(USH2A):c.6667G>A (p.Gly2223Ser)

Gene: USH2A (usherin; minus strand). Cytogenetic location: 1q41.
Variant type: single nucleotide variant.
Coding change: c.6667G>A on transcript NM_206933.4 (MANE Select); coding-DNA position 6667, G replaced by A.
Protein change: p.Gly2223Ser; replaces glycine 2223 with serine.
Molecular consequence: missense variant.
Genome position (GRCh38, 1-based): chr1:215,993,158, C>T on the plus strand (G>A on the coding strand, the complement: USH2A is on the minus strand). VCF-style: chr1-215993158-C-T. GRCh37 (hg19) VCF-style: chr1-216166500-C-T.
Other names: c.6667G>A (NM_206933.2); short protein forms G2223S.
Identifiers: ClinVar variation 1041981 (VCV001041981.9), dbSNP rs1047559421, ClinGen allele CA37473117.
Genomic context (GRCh38, chr1:215,993,158, plus strand): 5'-CTTCGGGTATGTCCTCGTCAGTTAGGGCCTCACTGGCCTCACTCACTGTGCACCCACCAC[C>T]TGTGCAAGCCTAAACAGAGATGCAAAAATGCTCATTTCACTCTTGGTCCCAAAAGTTTTC-3'
Protein context (NP_996816.3, residues 2213-2233): KYLIKLGACT[Gly2223Ser]GGCTVSEASE